The following is an entry in ClinVar:

ClinVar aggregate classification (germline): Uncertain significance (1 of 4 stars; one submission).

Conditions:
Hereditary pancreatitis (PCTT). Also called: Hereditary chronic pancreatitis; PRSS1-Related Hereditary Pancreatitis. Identifiers: Orphanet 676, MedGen C0238339, MONDO:0008185, OMIM 167800.

gnomAD v4.1: 1 of 1,614,192 alleles (0.000062%); highest among the groups gnomAD compares: Non-Finnish European, 0.000085%; no homozygotes.

Submission:

Ambry Genetics
Classification: Uncertain significance for Hereditary pancreatitis. Last evaluated: 2024-01-27. Review status: criteria provided, single submitter. Criteria: Ambry Variant Classification Scheme 2023. Collection method: clinical testing. Allele origin: germline.
Comment: The p.L97R variant (also known as c.290T>G), located in coding exon 3 of the CPA1 gene, results from a T to G substitution at nucleotide position 290. The leucine at codon 97 is replaced by arginine, an amino acid with dissimilar properties. This amino acid position is conserved. In addition, the in silico prediction for this alteration is inconclusive. Since supporting evidence is limited at this time, the clinical significance of this alteration remains unclear.

NM_001868.4(CPA1):c.290T>G (p.Leu97Arg)

Gene: CPA1 (carboxypeptidase A1; plus strand). Cytogenetic location: 7q32.2.
Variant type: single nucleotide variant.
Coding change: c.290T>G on transcript NM_001868.4 (MANE Select); coding-DNA position 290, T replaced by G.
Protein change: p.Leu97Arg; replaces leucine 97 with arginine.
Molecular consequence: missense variant.
Genome position (GRCh38, 1-based): chr7:130,381,772, T>G. VCF-style: chr7-130381772-T-G. GRCh37 (hg19) VCF-style: chr7-130021613-T-G.
Other names: short protein forms L97R.
Identifiers: ClinVar variation 1797575 (VCV001797575.2), dbSNP rs934401285, ClinGen allele CA166885432.